The following is an entry in ClinVar:

NM_057175.5(NAA15):c.2419G>A (p.Glu807Lys)

Gene: NAA15 (N-alpha-acetyltransferase 15, NatA auxiliary subunit; plus strand). Cytogenetic location: 4q31.1.
Variant type: single nucleotide variant.
Coding change: c.2419G>A on transcript NM_057175.5 (MANE Select); coding-DNA position 2419, G replaced by A.
Protein change: p.Glu807Lys; replaces glutamic acid 807 with lysine.
Molecular consequence: missense variant.
Genome position (GRCh38, 1-based): chr4:139,387,902, G>A. VCF-style: chr4-139387902-G-A. GRCh37 (hg19) VCF-style: chr4-140309056-G-A.
Other names: c.2416G>A, p.Glu806Lys (NM_001410842.1); c.*828G>A (NM_025085.2); short protein forms E806K, E807K.
Identifiers: ClinVar variation 1719367 (VCV001719367.5), dbSNP rs2530489242, ClinGen allele CA358271061.
Genomic context (GRCh38, chr4:139,387,902, plus strand): 5'-TTTTTTTGACCAGTTACAACATGACTTTTTTTCTTTCCTTAGACATGTATGGAGGTATTG[G>A]AAGCCTTGTATGATGGTAGCCTAGGAGACTGTAAAGAAGCTGCTGAAATTTATAGAGCAA-3'
Protein context (NP_476516.1, residues 797-817): RNLQTCMEVL[Glu807Lys]ALYDGSLGDC

ClinVar aggregate classification (germline): Uncertain significance (1 of 4 stars; one submission).

Submission:

Labcorp Genetics (formerly Invitae), Labcorp
Classification: Uncertain significance. Last evaluated: 2022-11-01. Review status: criteria provided, single submitter. Criteria: Invitae Variant Classification Sherloc (09022015). Collection method: clinical testing. Allele origin: germline.
Comment: In summary, the available evidence is currently insufficient to determine the role of this variant in disease. Therefore, it has been classified as a Variant of Uncertain Significance. Algorithms developed to predict the effect of missense changes on protein structure and function are either unavailable or do not agree on the potential impact of this missense change (SIFT: "Tolerated"; PolyPhen-2: "Possibly Damaging"; Align-GVGD: "Class C0"). This variant has not been reported in the literature in individuals affected with NAA15-related conditions. This variant is not present in population databases (gnomAD no frequency). This sequence change replaces glutamic acid, which is acidic and polar, with lysine, which is basic and polar, at codon 807 of the NAA15 protein (p.Glu807Lys).